The following is an entry in ClinVar:

NM_006080.3(SEMA3A):c.1655G>T (p.Arg552Leu)

Gene: SEMA3A (semaphorin 3A; minus strand). Cytogenetic location: 7q21.11.
Variant type: single nucleotide variant.
Coding change: c.1655G>T on transcript NM_006080.3 (MANE Select); coding-DNA position 1655, G replaced by T.
Protein change: p.Arg552Leu; replaces arginine 552 with leucine.
Molecular consequence: missense variant.
Genome position (GRCh38, 1-based): chr7:83,977,194, C>A on the plus strand (G>T on the coding strand, the complement: SEMA3A is on the minus strand). VCF-style: chr7-83977194-C-A. GRCh37 (hg19) VCF-style: chr7-83606510-C-A.
Other names: short protein forms R552L.
Identifiers: ClinVar variation 2268081 (VCV002268081.3), dbSNP rs1167987800, ClinGen allele CA367948222.
Genomic context (GRCh38, chr7:83,977,194, plus strand): 5'-TGGTGTAAGTCTGAACAGTGAGTCAGTGGGTCTCCATTTCTTATATCTTGTCGTCTTGTG[C>A]GTCTGAAGCAATTACATTTAAAAGGTGTTATTGTATCCTTATTTTTCCCTTCTAGGAATT-3'
Protein context (NP_006071.1, residues 542-562): CSRYFPTAKR[Arg552Leu]TRRQDIRNGD

ClinVar aggregate classification (germline): Uncertain significance. Review status: criteria provided, multiple submitters, no conflicts (2 of 4 stars). 2 submissions from 2 submitters: Uncertain significance (2). Last evaluated 2026-09-15.

Conditions:
Inborn genetic diseases. Identifiers: MedGen C0950123, MeSH D030342.
SEMA3A-related disorder. Also called: SEMA3A-related condition.

Submissions (2):

PreventionGenetics, part of Exact Sciences
Classification: Uncertain significance for SEMA3A-related condition. Last evaluated: 2026-09-15. Review status: criteria provided, single submitter. Criteria: ACMG Guidelines, 2015. Collection method: clinical testing. Allele origin: germline.
Comment: The SEMA3A c.1655G>T variant is predicted to result in the amino acid substitution p.Arg552Leu. To our knowledge, this variant has not been reported in the literature or in a large population database (gnomAD), indicating this variant is rare. At this time, the clinical significance of this variant is uncertain due to the absence of conclusive functional and genetic evidence.

Ambry Genetics
Classification: Uncertain significance for Inborn genetic diseases. Last evaluated: 2021-12-20. Review status: criteria provided, single submitter. Criteria: Ambry Variant Classification Scheme 2023. Collection method: clinical testing. Allele origin: germline.